The following is an entry in ClinVar:

NM_001374736.1(DST):c.12618A>G (p.Lys4206=)

Gene: DST (dystonin; minus strand). Cytogenetic location: 6p12.1.
Variant type: single nucleotide variant.
Coding change: c.12618A>G on transcript NM_001374736.1 (MANE Select); coding-DNA position 12618, A replaced by G.
Protein change: p.Lys4206=; no amino-acid change (lysine 4206 retained).
Molecular consequence: synonymous variant.
Genome position (GRCh38, 1-based): chr6:56,593,771, T>C on the plus strand (A>G on the coding strand, the complement: DST is on the minus strand). VCF-style: chr6-56593771-T-C. GRCh37 (hg19) VCF-style: chr6-56458569-T-C.
Other names: c.6261A>G, p.Lys2087= (NM_001144769.5); c.5847A>G, p.Lys1949= (NM_001144770.2); c.12618A>G, p.Lys4206= (NM_001374722.1); c.11985A>G, p.Lys3995= (NM_001374729.1); c.5727A>G, p.Lys1909= (NM_001374730.1, NM_001386100.1, NM_183380.4); c.12645A>G, p.Lys4215= (NM_001374734.1); c.4749A>G, p.Lys1583= (NM_015548.5).
Identifiers: ClinVar variation 796212 (VCV000796212.14), dbSNP rs376162444, ClinGen allele CA3868433.
Genomic context (GRCh38, chr6:56,593,771, plus strand): 5'-CTGCACTTCTCTGTGGGTTGCAGAAGTATCAACCTTGCCACCGTCTCTCTTGCTGCAAGA[T>C]TTGGCAGCTTCCAACACTCTGTTTCCAGAAATTGTGATGTATCTCAAGTCACCTTTGTGA-3'
Protein context (NP_001361665.1, residues 4196-4216): ISGNRVLEAA[Lys4206=]SCSKRDGGKV

ClinVar aggregate classification (germline): Benign. Review status: criteria provided, single submitter (1 of 4 stars). 2 submissions from 2 submitters: Benign (1). 1 of the submissions does not count toward it. Last evaluated 2025-12-28.

Conditions:
DST-related disorder. Also called: DST-related condition; DST-related disorders.
Hereditary sensory and autonomic neuropathy type 6. Also called: HSAN VI; Neuropathy, hereditary sensory and autonomic, type VI. Identifiers: Orphanet 314381, MedGen C3539003, MONDO:0013839, OMIM 614653.
Epidermolysis bullosa simplex 3, localized or generalized intermediate, with BP230 deficiency (EBS3). Also called: Epidermolysis bullosa simplex, autosomal recessive 2; Epidermolysis bullosa simplex due to BP230 deficiency. Identifiers: Orphanet 412181, MedGen C3809470, MONDO:0014180, OMIM 615425.

Allele frequency attached by ClinVar (database versions not stated): gnomAD 0.00080 and 0.00077; TOPMed 0.00090; 1000 Genomes Project 0.00060; ESP Exome Variant Server 0.00099; gnomAD exomes 0.00007 and 0.00022; ExAC 0.00024; 1000 Genomes Project 30x 0.00047.
gnomAD v4.1: 225 of 1,613,960 alleles (0.014%); highest among the groups gnomAD compares: African/African-American, 0.26%; no homozygotes.

Submissions (2):

Labcorp Genetics (formerly Invitae), Labcorp
Classification: Benign for Epidermolysis bullosa simplex 3, localized or generalized intermediate, with BP230 deficiency; Hereditary sensory and autonomic neuropathy type 6. Last evaluated: 2025-12-28. Review status: criteria provided, single submitter. Criteria: Invitae Variant Classification Sherloc (09022015). Collection method: clinical testing. Allele origin: germline.

PreventionGenetics, part of Exact Sciences
Classification: Likely benign for DST-related condition. Last evaluated: 2024-06-26. Review status: no assertion criteria provided. Collection method: clinical testing. Allele origin: germline. Not counted in ClinVar's aggregate classification.
Comment: This variant is classified as likely benign based on ACMG/AMP sequence variant interpretation guidelines (Richards et al. 2015 PMID: 25741868, with internal and published modifications).